The following is an entry in ClinVar:

ClinVar aggregate classification (germline): Benign. Review status: criteria provided, multiple submitters, no conflicts (2 of 4 stars). 11 submissions from 11 submitters: Benign (9). 2 of the submissions do not count toward it. Last evaluated 2026-02-04.

Conditions:
Hereditary angioedema type 1 (HAE1). Identifiers: Orphanet 100050, Orphanet 100051, Orphanet 91378, MedGen C2717906, MONDO:0015053, OMIM 106100.

Allele frequency attached by ClinVar (database versions not stated): 1000 Genomes Project 0.48383; 1000 Genomes Project 30x 0.49126; TOPMed 0.58215; ExAC 0.58664; gnomAD 0.60195 and 0.60677; ESP Exome Variant Server 0.62652; gnomAD exomes 0.65931.
gnomAD v4.1: 1,049,025 of 1,607,436 alleles (65%); highest among the groups gnomAD compares: Non-Finnish European, 70%; 350,180 homozygotes.

Submissions (11):

Labcorp Genetics (formerly Invitae), Labcorp
Classification: Benign. Last evaluated: 2026-02-04. Review status: criteria provided, single submitter. Criteria: Invitae Variant Classification Sherloc (09022015). Collection method: clinical testing. Allele origin: germline.

Women's Health and Genetics/Laboratory Corporation of America, LabCorp
Classification: Benign. Last evaluated: 2026-01-21. Review status: criteria provided, single submitter. Criteria: LabCorp Variant Classification Summary - May 2015. Collection method: clinical testing. Allele origin: germline.

Blueprint Genetics
Classification: Benign. Last evaluated: 2024-11-27. Review status: criteria provided, single submitter. Criteria: ACMG Guidelines, 2015. Collection method: clinical testing. Allele origin: germline.

Genome-Nilou Lab
Classification: Benign for Hereditary angioedema type 1. Last evaluated: 2021-07-15. Review status: criteria provided, single submitter. Criteria: ACMG Guidelines, 2015. Collection method: clinical testing. Allele origin: germline. Affected: no.

GeneDx
Classification: Benign. Last evaluated: 2015-03-03. Review status: criteria provided, single submitter. Criteria: GeneDx Variant Classification Process June 2021. Collection method: clinical testing. Allele origin: germline. Affected: yes.
Comment: This variant is associated with the following publications: (PMID: 19200915, 18842294)

Genome Diagnostics Laboratory, University Medical Center Utrecht
Classification: Benign for Hereditary angioedema type 1. Last evaluated: 2014-10-09. Review status: criteria provided, single submitter. Criteria: ACGS Guidelines, 2013. Collection method: clinical testing. Allele origin: germline. Affected: yes. Study: VKGL Data-share Consensus.

Breakthrough Genomics
Classification: Benign. Review status: criteria provided, single submitter. Criteria: ACMG Guidelines, 2015. Collection method: not provided. Allele origin: germline. Inheritance: Autosomal recessive inheritance. Affected: yes.

CeMIA
Classification: Benign for Hereditary angioedema type 1. Review status: criteria provided, single submitter. Criteria: ACMG Guidelines, 2015. Collection method: clinical testing. Allele origin: germline. Affected: yes.
Comment: This variant is considered likely benign or benign based on one or more of the following criteria: allele frequency is >5% in Exome Sequencing Project, 1000 Genomes Project, or Exome Aggregation Consortium (BA1), allele frequency is greater than expected for disorder (BS1), it is observed in a healthy adult individual (BS2), it is predicted to be benign by multiple in silico algorithms (BP4), it is found in a case with an alternate molecular basis for the disease (BP5) and/or reputable source recently reports variant as benign (BP6).

PreventionGenetics, part of Exact Sciences
Classification: Benign. Review status: criteria provided, single submitter. Criteria: ACMG Guidelines, 2015. Collection method: clinical testing. Allele origin: germline.

Diagnostic Laboratory, Department of Genetics, University Medical Center Groningen
Classification: Benign for Hereditary angioedema type 1. Review status: no assertion criteria provided. Collection method: clinical testing. Allele origin: germline. Affected: yes. Study: VKGL Data-share Consensus. Not counted in ClinVar's aggregate classification.

Joint Genome Diagnostic Labs from Nijmegen and Maastricht, Radboudumc and MUMC+
Classification: Benign. Review status: no assertion criteria provided. Collection method: clinical testing. Allele origin: germline. Affected: yes. Study: VKGL Data-share Consensus. Not counted in ClinVar's aggregate classification.

Literature cited by the submitters: PubMed 31959500 (cited by CeMIA).

NM_000062.3(SERPING1):c.1030-20A>G

Gene: SERPING1 (serpin family G member 1; plus strand). Cytogenetic location: 11q12.1.
Variant type: single nucleotide variant.
Coding change: c.1030-20A>G on transcript NM_000062.3 (MANE Select); 20 bases into the intron before coding-DNA position 1030, A replaced by G.
Molecular consequence: intron variant.
Genome position (GRCh38, 1-based): chr11:57,611,697, A>G. VCF-style: chr11-57611697-A-G. GRCh37 (hg19) VCF-style: chr11-57379170-A-G.
Other names: c.1030-20A>G (NM_001032295.2).
Identifiers: ClinVar variation 254785 (VCV000254785.21), dbSNP rs2511988, ClinGen allele CA6008215.